The following is an entry in ClinVar:

NM_000059.4(BRCA2):c.7942A>C (p.Ser2648Arg)

Gene: BRCA2 (BRCA2 DNA repair associated; plus strand). Cytogenetic location: 13q13.1.
Variant type: single nucleotide variant.
Coding change: c.7942A>C on transcript NM_000059.4 (MANE Select); coding-DNA position 7942, A replaced by C.
Protein change: p.Ser2648Arg; replaces serine 2648 with arginine.
Molecular consequence: missense variant. On other transcripts: non-coding transcript variant (1).
Genome position (GRCh38, 1-based): chr13:32,362,659, A>C. VCF-style: chr13-32362659-A-C. GRCh37 (hg19) VCF-style: chr13-32936796-A-C.
Other names: c.7846A>C, p.Ser2616Arg (NM_001406719.1); c.7942A>C, p.Ser2648Arg (NM_001406720.1); c.3010A>C, p.Ser1004Arg (NM_001406721.1); c.1525A>C, p.Ser509Arg (NM_001406722.1); short protein forms S1004R, S2616R, S2648R, S509R.
Identifiers: ClinVar variation 3072356 (VCV003072356.1), dbSNP rs2137577688, ClinGen allele CA387747224.

ClinVar aggregate classification (germline): Uncertain significance (1 of 4 stars; one submission).

Conditions:
Breast-ovarian cancer, familial, susceptibility to, 2 (BROVCA2). Also called: BRCA2 Hereditary Breast and Ovarian Cancer. Identifiers: Orphanet 145, MedGen C2675520, MONDO:0012933, OMIM 612555. Disease mechanism: loss of function.

Submission:

All of Us Research Program, National Institutes of Health
Classification: Uncertain significance for Breast-ovarian cancer, familial, susceptibility to, 2. Last evaluated: 2023-07-10. Review status: criteria provided, single submitter. Criteria: ACMG Guidelines, 2015. Collection method: clinical testing. Allele origin: germline. Inheritance: Autosomal dominant inheritance. Observed: 1 variant allele, 1 heterozygote.
Comment: This missense variant replaces serine with arginine at codon 2648 of the BRCA2 protein. Computational prediction is inconclusive regarding the impact of this variant on protein structure and function (internally defined REVEL score threshold 0.5 < inconclusive < 0.7, PMID: 27666373). This variant has been reported to be functional in a haploidized cell proliferation assay (PMID: 35190686). To our knowledge, this variant has not been reported in individuals affected with BRCA2-related disorders in the literature. This variant has not been identified in the general population by the Genome Aggregation Database (gnomAD). The available evidence is insufficient to determine the role of this variant in disease conclusively. Therefore, this variant is classified as a Variant of Uncertain Significance.

This study involves interpretation of variants in research participants for the purpose of population health screening. Participant phenotype was not available at the time of variant classification. Additional details can be found in publication PMID: 35346344, PMCID: PMC8962531

Literature cited by the submitters: PubMed 35190686.